The following is an entry in ClinVar:

NM_000535.7(PMS2):c.2385G>A (p.Gly795=)

Gene: PMS2 (PMS1 homolog 2, mismatch repair system component; minus strand). Cytogenetic location: 7p22.1.
Variant type: single nucleotide variant.
Coding change: c.2385G>A on transcript NM_000535.7 (MANE Select); coding-DNA position 2385, G replaced by A.
Protein change: p.Gly795=; no amino-acid change (glycine 795 retained).
Molecular consequence: synonymous variant. On other transcripts: non-coding transcript variant (1).
Genome position (GRCh38, 1-based): chr7:5,977,648, C>T on the plus strand (G>A on the coding strand, the complement: PMS2 is on the minus strand). VCF-style: chr7-5977648-C-T. GRCh37 (hg19) VCF-style: chr7-6017279-C-T.
Other names: c.1980G>A, p.Gly660= (NM_001322003.2, NM_001322004.2, NM_001322005.2); c.2229G>A, p.Gly743= (NM_001322006.2); c.2067G>A, p.Gly689= (NM_001322007.2, NM_001322008.2); c.2013G>A, p.Gly671= (NM_001322009.2); c.1824G>A, p.Gly608= (NM_001322010.2); c.1452G>A, p.Gly484= (NM_001322011.2, NM_001322012.2); c.1812G>A, p.Gly604= (NM_001322013.2); c.2418G>A, p.Gly806= (NM_001322014.2); and 1 more.
Identifiers: ClinVar variation 496038 (VCV000496038.16), dbSNP rs372868520, ClinGen allele CA453642370.

ClinVar aggregate classification (germline): Benign/Likely benign. Review status: criteria provided, multiple submitters, no conflicts (2 of 4 stars). 4 submissions from 4 submitters: Benign (1); Likely benign (3). Last evaluated 2025-02-04.

Conditions:
Hereditary nonpolyposis colorectal neoplasms. Identifiers: MedGen C0009405, MeSH D003123.
Hereditary cancer-predisposing syndrome. Also called: Tumor predisposition; Neoplastic Syndromes, Hereditary; Hereditary neoplastic syndrome; Hereditary Cancer Syndrome. Identifiers: Orphanet 140162, MedGen C0027672, MeSH D009386, MONDO:0015356.
Lynch syndrome 4 (LYNCH4). Also called: Colorectal cancer, hereditary nonpolyposis, type 4; Hereditary non-polyposis colorectal cancer, type 4. Identifiers: Orphanet 144, MedGen C1838333, MONDO:0013699, OMIM 614337. Disease mechanism: loss of function.

Submissions (4):

Myriad Genetics, Inc.
Classification: Benign for Lynch syndrome 4. Last evaluated: 2025-02-04. Review status: criteria provided, single submitter. Criteria: Myriad Autosomal Dominant, Autosomal Recessive and X-Linked Classification Criteria (2023). Collection method: clinical testing. Allele origin: unknown.
Comment: This variant is considered benign. This variant is a silent/synonymous amino acid change and it is not expected to impact splicing.

Labcorp Genetics (formerly Invitae), Labcorp
Classification: Likely benign for Hereditary nonpolyposis colorectal neoplasms. Last evaluated: 2019-12-13. Review status: criteria provided, single submitter. Criteria: Invitae Variant Classification Sherloc (09022015). Collection method: clinical testing. Allele origin: germline.

Women's Health and Genetics/Laboratory Corporation of America, LabCorp
Classification: Likely benign. Last evaluated: 2019-08-29. Review status: criteria provided, single submitter. Criteria: LabCorp Variant Classification Summary - May 2015. Collection method: clinical testing. Allele origin: germline.

Ambry Genetics
Classification: Likely benign for Hereditary cancer-predisposing syndrome. Last evaluated: 2015-10-20. Review status: criteria provided, single submitter. Criteria: Ambry Variant Classification Scheme 2023. Collection method: clinical testing. Allele origin: germline.